The following is an entry in ClinVar:

NM_001367624.2(ZNF469):c.1163A>G (p.Gln388Arg)

Gene: ZNF469 (zinc finger protein 469; plus strand). Cytogenetic location: 16q24.2.
Variant type: single nucleotide variant.
Coding change: c.1163A>G on transcript NM_001367624.2 (MANE Select); coding-DNA position 1163, A replaced by G.
Protein change: p.Gln388Arg; replaces glutamine 388 with arginine.
Molecular consequence: missense variant.
Genome position (GRCh38, 1-based): chr16:88,428,633, A>G. VCF-style: chr16-88428633-A-G. GRCh37 (hg19) VCF-style: chr16-88495041-A-G.
Other names: NM_001127464.1:c.1163A>G; short protein forms Q388R.
Identifiers: ClinVar variation 1737463 (VCV001737463.5), dbSNP rs1374581564, ClinGen allele CA397063528.

ClinVar aggregate classification (germline): Uncertain significance. Review status: criteria provided, multiple submitters, no conflicts (2 of 4 stars). 2 submissions from 2 submitters: Uncertain significance (2). Last evaluated 2025-11-03.

Conditions:
Cardiovascular phenotype. Identifiers: MedGen CN230736.

Allele frequency attached by ClinVar (database versions not stated): TOPMed below 0.00001; gnomAD 0.00001; gnomAD exomes 0.00001.
gnomAD v4.1: 11 of 1,550,086 alleles (0.00071%); highest among the groups gnomAD compares: South Asian, 0.0024%; no homozygotes.

Submissions (2):

Women's Health and Genetics/Laboratory Corporation of America, LabCorp
Classification: Uncertain significance. Last evaluated: 2025-11-03. Review status: criteria provided, single submitter. Criteria: LabCorp Variant Classification Summary - May 2015. Collection method: clinical testing. Allele origin: germline.
Comment: Variant summary: ZNF469 c.1163A>G (p.Gln388Arg) results in a conservative amino acid change in the encoded protein sequence. Algorithms developed to predict the effect of missense changes on protein structure and function all suggest that this variant is likely to be tolerated. The variant allele was found at a frequency of 6.6e-06 in 150512 control chromosomes. The available data on variant occurrences in the general population are insufficient to allow any conclusion about variant significance. To our knowledge, no occurrence of c.1163A>G in individuals affected with ZNF469-related conditions and no experimental evidence demonstrating its impact on protein function have been reported. ClinVar contains an entry for this variant (Variation ID: 1737463). Based on the evidence outlined above, the variant was classified as uncertain significance.

Ambry Genetics
Classification: Uncertain significance for Cardiovascular phenotype. Last evaluated: 2025-01-04. Review status: criteria provided, single submitter. Criteria: Ambry Variant Classification Scheme 2023. Collection method: clinical testing. Allele origin: germline.
Comment: The p.Q388R variant (also known as c.1163A>G), located in coding exon 1 of the ZNF469 gene, results from an A to G substitution at nucleotide position 1163. The glutamine at codon 388 is replaced by arginine, an amino acid with highly similar properties. This amino acid position is conserved. In addition, this alteration is predicted to be tolerated by in silico analysis. Since supporting evidence is limited at this time, the clinical significance of this alteration remains unclear.